The following is an entry in ClinVar:

ClinVar aggregate classification (germline): Uncertain significance (1 of 4 stars; one submission).

Conditions:
Progressive myoclonic epilepsy type 7. Identifiers: Orphanet 435438, MedGen C4015420, MONDO:0014521, OMIM 616187.

Submission:

Labcorp Genetics (formerly Invitae), Labcorp
Classification: Uncertain significance for Progressive myoclonic epilepsy type 7. Last evaluated: 2022-11-22. Review status: criteria provided, single submitter. Criteria: Invitae Variant Classification Sherloc (09022015). Collection method: clinical testing. Allele origin: germline.
Comment: This variant has not been reported in the literature in individuals affected with KCNC1-related conditions. This variant is not present in population databases (gnomAD no frequency). This sequence change replaces glycine, which is neutral and non-polar, with glutamic acid, which is acidic and polar, at codon 404 of the KCNC1 protein (p.Gly404Glu). Advanced modeling of protein sequence and biophysical properties (such as structural, functional, and spatial information, amino acid conservation, physicochemical variation, residue mobility, and thermodynamic stability) performed at Invitae indicates that this missense variant is expected to disrupt KCNC1 protein function. In summary, the available evidence is currently insufficient to determine the role of this variant in disease. Therefore, it has been classified as a Variant of Uncertain Significance.

NM_001112741.2(KCNC1):c.1211G>A (p.Gly404Glu)

Gene: KCNC1 (potassium voltage-gated channel subfamily C member 1; plus strand). Cytogenetic location: 11p15.1.
Variant type: single nucleotide variant.
Coding change: c.1211G>A on transcript NM_001112741.2 (MANE Select); coding-DNA position 1211, G replaced by A.
Protein change: p.Gly404Glu; replaces glycine 404 with glutamic acid.
Molecular consequence: missense variant.
Genome position (GRCh38, 1-based): chr11:17,772,305, G>A. VCF-style: chr11-17772305-G-A. GRCh37 (hg19) VCF-style: chr11-17793852-G-A.
Other names: c.1211G>A, p.Gly404Glu (NM_004976.4); short protein forms G404E.
Identifiers: ClinVar variation 1993131 (VCV001993131.4), dbSNP rs2497800952, ClinGen allele CA379808663.
Genomic context (GRCh38, chr11:17,772,305, plus strand): 5'-TTAAGAACATCCCCATCGGCTTCTGGTGGGCCGTGGTCACCATGACGACCCTGGGCTATG[G>A]AGACATGTACCCGCAGACGTGGTCCGGCATGCTGGTGGGGGCTCTGTGTGCGCTGGCGGG-3'
Protein context (NP_001106212.1, residues 394-414): AVVTMTTLGY[Gly404Glu]DMYPQTWSGM